The following is an entry in ClinVar:

ClinVar aggregate classification (germline): Benign/Likely benign. Review status: criteria provided, multiple submitters, no conflicts (2 of 4 stars). 2 submissions from 2 submitters: Benign (1); Likely benign (1). Last evaluated 2026-04-14.

Conditions:
Spastic paraplegia. Identifiers: MedGen C0037772, HP:0001258.

Allele frequency attached by ClinVar (database versions not stated): 1000 Genomes Project 0.00079; gnomAD exomes 0.00003 and 0.00006; ExAC 0.00007; gnomAD 0.00018 and 0.00019; TOPMed 0.00023; 1000 Genomes Project 30x 0.00062.
gnomAD v4.1: 55 of 1,191,487 alleles (0.0046%); highest among the groups gnomAD compares: African/African-American, 0.083%; no homozygotes.

Submissions (2):

Women's Health and Genetics/Laboratory Corporation of America, LabCorp
Classification: Likely benign. Last evaluated: 2026-04-14. Review status: criteria provided, single submitter. Criteria: LabCorp Variant Classification Summary - May 2015. Collection method: clinical testing. Allele origin: germline.
Comment: Variant summary: KDM5C c.151-7C>T alters a nucleotide located at a position not widely known to affect splicing. Consensus agreement among computation tools predict no significant impact on normal splicing. However, these predictions have yet to be confirmed by functional studies. The variant allele was found at a frequency of 6e-05 in 182847 control chromosomes. This frequency is not significantly higher than estimated for disease-causing variants in KDM5C, allowing no conclusion about variant significance. To our knowledge, no occurrence of c.151-7C>T in individuals affected with KDM5C-related conditions and no experimental evidence demonstrating its impact on protein function have been reported. ClinVar contains an entry for this variant (Variation ID: 1543358). Based on the evidence outlined above, the variant was classified as likely benign.

Labcorp Genetics (formerly Invitae), Labcorp
Classification: Benign for Spastic paraplegia. Last evaluated: 2025-11-01. Review status: criteria provided, single submitter. Criteria: Invitae Variant Classification Sherloc (09022015). Collection method: clinical testing. Allele origin: germline.

NM_004187.5(KDM5C):c.151-7C>T

Gene: KDM5C (lysine demethylase 5C; minus strand). Cytogenetic location: Xp11.22.
Variant type: single nucleotide variant.
Coding change: c.151-7C>T on transcript NM_004187.5 (MANE Select); 7 bases into the intron before coding-DNA position 151, C replaced by T.
Molecular consequence: intron variant.
Genome position (GRCh38, 1-based): chrX:53,220,923, G>A on the plus strand (C>T on the coding strand, the complement: KDM5C is on the minus strand). VCF-style: chrX-53220923-G-A. GRCh37 (hg19) VCF-style: chrX-53250105-G-A.
Other names: c.151-7C>T (NM_001353982.2, NM_001353979.2, NM_001353981.2 and 3 more transcripts); c.151-2957C>T (NM_001146702.2).
Identifiers: ClinVar variation 1543358 (VCV001543358.9), dbSNP rs367696630, ClinGen allele CA10419739.